The following is an entry in ClinVar:

NM_000179.3(MSH6):c.3854_3861del (p.Thr1284_Phe1285insTer)

Gene: MSH6 (mutS homolog 6; plus strand). Cytogenetic location: 2p16.3.
Variant type: Deletion.
Coding change: c.3854_3861del on transcript NM_000179.3 (MANE Select); coding-DNA positions 3854 to 3861, 8 bases deleted (TCCTCTAT; older notation c.3854_3861delTCCTCTAT).
Protein change: p.Thr1284_Phe1285insTer.
Molecular consequence: nonsense.
Genome position (GRCh38, 1-based): chr2:47,806,504-47,806,511, TCCTCTAT deleted; deleting any 8 consecutive bases within chr2:47,806,503-47,806,511 gives the same sequence; the c. name uses the placement nearest the transcript's 3' end. VCF-style (leftmost placement, unchanged base first): chr2-47806502-GTTCCTCTA-G. GRCh37 (hg19) VCF-style: chr2-48033641-GTTCCTCTA-G.
Other names: c.3854_3861delTCCTCTAT (NM_000179.2); c.3464_3471del, p.Thr1154_Phe1155insTer (NM_001281492.2); c.2948_2955del, p.Thr982_Phe983insTer (NM_001281493.2, NM_001281494.2).
Identifiers: ClinVar variation 455299 (VCV000455299.10), dbSNP rs1553333449, ClinGen allele CA658655757.
Genomic context (GRCh38, chr2:47,806,502, plus strand): 5'-CTTTCTTAAGGCATGCATGGTAGAAAATGAATGTGAAGACCCCAGCCAGGAGACTATTAC[GTTCCTCTA>G]TAAATTCATTAAGGGAGCTTGTCCTAAAAGCTATGGCTTTAATGCAGCAAGGCTTGCTAA-3'

ClinVar aggregate classification (germline): Pathogenic. Review status: criteria provided, multiple submitters, no conflicts (2 of 4 stars). 2 submissions from 2 submitters: Pathogenic (2). Last evaluated 2023-08-25.

Conditions:
Hereditary nonpolyposis colorectal neoplasms. Identifiers: MedGen C0009405, MeSH D003123.
Lynch syndrome 5 (LYNCH5). Also called: Colorectal cancer, hereditary nonpolyposis, type 5; Hereditary non-polyposis colorectal cancer, type 5. Identifiers: Orphanet 144, MedGen C1833477, MONDO:0013710, OMIM 614350. Disease mechanism: loss of function.

Submissions (2):

Myriad Genetics, Inc.
Classification: Pathogenic for Lynch syndrome 5. Last evaluated: 2023-08-25. Review status: criteria provided, single submitter. Criteria: Myriad Autosomal Dominant, Autosomal Recessive and X-Linked Classification Criteria (2023). Collection method: clinical testing. Allele origin: unknown.
Comment: This variant is considered pathogenic. This variant creates a termination codon and is predicted to result in premature protein truncation.

Labcorp Genetics (formerly Invitae), Labcorp
Classification: Pathogenic for Hereditary nonpolyposis colorectal neoplasms. Last evaluated: 2017-03-06. Review status: criteria provided, single submitter. Criteria: Invitae Variant Classification Sherloc (09022015). Collection method: clinical testing. Allele origin: germline.
Comment: For these reasons, this variant has been classified as Pathogenic. While this particular variant has not been reported in the literature, loss-of-function variants in MSH6 are known to be pathogenic (PMID: 24362816, 18269114). This sequence change deletes 8 nucleotides from exon 9 of the MSH6 mRNA (c.3854_3861delTCCTCTAT) and creates a premature translational stop signal at codon 1285 (p.Phe1285*) of the MSH6 gene. It is expected to result in an absent or disrupted protein product.

Literature cited by the submitters: PubMed 24362816 (cited by Labcorp Genetics (formerly Invitae), Labcorp); PubMed 18269114 (cited by Labcorp Genetics (formerly Invitae), Labcorp).